The following is an entry in ClinVar:

NM_205861.3(DHDDS):c.229G>A (p.Ala77Thr)

Gene: DHDDS (dehydrodolichyl diphosphate synthase subunit; plus strand). Cytogenetic location: 1p36.11.
Variant type: single nucleotide variant.
Coding change: c.229G>A on transcript NM_205861.3 (MANE Select); coding-DNA position 229, G replaced by A.
Protein change: p.Ala77Thr; replaces alanine 77 with threonine.
Molecular consequence: missense variant. On other transcripts: 5 prime UTR variant (1).
Genome position (GRCh38, 1-based): chr1:26,442,779, G>A. VCF-style: chr1-26442779-G-A. GRCh37 (hg19) VCF-style: chr1-26769270-G-A.
Other names: c.229G>A, p.Ala77Thr (NM_001243564.2, NM_001243565.2, NM_024887.4); c.-51G>A (NM_001319959.2); c.229G>A (NM_024887.3); short protein forms A77T.
Identifiers: ClinVar variation 2191753 (VCV002191753.5), dbSNP rs1187750662, ClinGen allele CA339140181.

ClinVar aggregate classification (germline): Uncertain significance. Review status: criteria provided, multiple submitters, no conflicts (2 of 4 stars). 3 submissions from 3 submitters: Uncertain significance (2). 1 of the submissions does not count toward it. Last evaluated 2025-01-05.

Conditions:
Retinitis pigmentosa 59 (RP59). Identifiers: Orphanet 791, MedGen C3151227, MONDO:0013468, OMIM 613861.
Inborn genetic diseases. Identifiers: MedGen C0950123, MeSH D030342.
Retinal dystrophy. Also called: Inherited retinal dystrophy. Identifiers: Orphanet 71862, MedGen C0854723, MeSH D058499, MONDO:0019118, HP:0000556.

Allele frequency attached by ClinVar (database versions not stated): gnomAD exomes below 0.00001.
gnomAD v4.1: 6 of 1,614,102 alleles (0.00037%); highest among the groups gnomAD compares: Non-Finnish European, 0.00051%; no homozygotes.

Submissions (3):

Labcorp Genetics (formerly Invitae), Labcorp
Classification: Uncertain significance for Retinitis pigmentosa 59. Last evaluated: 2025-01-05. Review status: criteria provided, single submitter. Criteria: Invitae Variant Classification Sherloc (09022015). Collection method: clinical testing. Allele origin: germline.
Comment: This sequence change replaces alanine, which is neutral and non-polar, with threonine, which is neutral and polar, at codon 77 of the DHDDS protein (p.Ala77Thr). This variant is present in population databases (no rsID available, gnomAD 0.002%). This variant has not been reported in the literature in individuals affected with DHDDS-related conditions. ClinVar contains an entry for this variant (Variation ID: 2191753). Invitae Evidence Modeling of protein sequence and biophysical properties (such as structural, functional, and spatial information, amino acid conservation, physicochemical variation, residue mobility, and thermodynamic stability) indicates that this missense variant is not expected to disrupt DHDDS protein function with a negative predictive value of 80%. In summary, the available evidence is currently insufficient to determine the role of this variant in disease. Therefore, it has been classified as a Variant of Uncertain Significance.

Ambry Genetics
Classification: Uncertain significance for Inborn genetic diseases. Last evaluated: 2024-06-07. Review status: criteria provided, single submitter. Criteria: Ambry Variant Classification Scheme 2023. Collection method: clinical testing. Allele origin: germline.

Institute of Human Genetics, Univ. Regensburg, Univ. Regensburg
Classification: Uncertain significance for Retinal dystrophy. Last evaluated: 2017-01-01. Review status: no assertion criteria provided. Criteria: ACMG Guidelines, 2015. Collection method: clinical testing. Allele origin: germline. Affected: yes. Not counted in ClinVar's aggregate classification.